The following is an entry in ClinVar:

ClinVar aggregate classification (germline): Uncertain significance (1 of 4 stars; one submission).

Conditions:
Landau-Kleffner syndrome (FESD). Also called: EPILEPSY, FOCAL, WITH SPEECH DISORDER AND WITH OR WITHOUT MENTAL RETARDATION; APHASIA, ACQUIRED, WITH EPILEPSY. Identifiers: Orphanet 1945, Orphanet 725, Orphanet 98818, MedGen C0282512, MONDO:0009509, OMIM 245570.

Allele frequency attached by ClinVar (database versions not stated): TOPMed 0.00001.

Submission:

Labcorp Genetics (formerly Invitae), Labcorp
Classification: Uncertain significance for Landau-Kleffner syndrome. Last evaluated: 2025-09-02. Review status: criteria provided, single submitter. Criteria: Invitae Variant Classification Sherloc (09022015). Collection method: clinical testing. Allele origin: germline.
Comment: This sequence change replaces lysine, which is basic and polar, with asparagine, which is neutral and polar, at codon 1160 of the GRIN2A protein (p.Lys1160Asn). This variant is not present in population databases (gnomAD no frequency). This variant has not been reported in the literature in individuals affected with GRIN2A-related conditions. ClinVar contains an entry for this variant (Variation ID: 1443371). Invitae Evidence Modeling of protein sequence and biophysical properties (such as structural, functional, and spatial information, amino acid conservation, physicochemical variation, residue mobility, and thermodynamic stability) indicates that this missense variant is not expected to disrupt GRIN2A protein function with a negative predictive value of 95%. In summary, the available evidence is currently insufficient to determine the role of this variant in disease. Therefore, it has been classified as a Variant of Uncertain Significance.

NM_001134407.3(GRIN2A):c.3480G>C (p.Lys1160Asn)

Gene: GRIN2A (glutamate ionotropic receptor NMDA type subunit 2A; minus strand). Cytogenetic location: 16p13.2.
Variant type: single nucleotide variant.
Coding change: c.3480G>C on transcript NM_001134407.3 (MANE Select); coding-DNA position 3480, G replaced by C.
Protein change: p.Lys1160Asn; replaces lysine 1160 with asparagine.
Molecular consequence: missense variant.
Genome position (GRCh38, 1-based): chr16:9,764,064, C>G on the plus strand (G>C on the coding strand, the complement: GRIN2A is on the minus strand). VCF-style: chr16-9764064-C-G. GRCh37 (hg19) VCF-style: chr16-9857921-C-G.
Other names: c.3480G>C, p.Lys1160Asn (NM_000833.5, NM_001134408.2); short protein forms K1160N.
Identifiers: ClinVar variation 1443371 (VCV001443371.6), dbSNP rs1900740968, ClinGen allele CA394707596.